The following is an entry in ClinVar:

ClinVar aggregate classification (germline): Pathogenic (1 of 4 stars; one submission).

Conditions:
Tuberous sclerosis 2 (TSC2). Identifiers: Orphanet 805, MedGen C1860707, MONDO:0013199, OMIM 613254.

Submission:

Labcorp Genetics (formerly Invitae), Labcorp
Classification: Pathogenic for Tuberous sclerosis 2. Last evaluated: 2025-09-14. Review status: criteria provided, single submitter. Criteria: Invitae Variant Classification Sherloc (09022015). Collection method: clinical testing. Allele origin: germline.
Comment: This sequence change creates a premature translational stop signal (p.Ser1449Phefs*75) in the TSC2 gene. It is expected to result in an absent or disrupted protein product. Loss-of-function variants in TSC2 are known to be pathogenic (PMID: 10205261, 17304050). This variant is not present in population databases (gnomAD no frequency). This variant has not been reported in the literature in individuals affected with TSC2-related conditions. For these reasons, this variant has been classified as Pathogenic.

Literature cited by the submitters: PubMed 10205261; PubMed 17304050.

NM_000548.5(TSC2):c.4345dup (p.Ser1449fs)

Gene: TSC2 (TSC complex subunit 2; plus strand). Cytogenetic location: 16p13.3.
Variant type: Duplication.
Coding change: c.4345dup on transcript NM_000548.5 (MANE Select); coding-DNA position 4345, one base duplicated (T; older notation c.4345dupT).
Protein change: p.Ser1449fs; shifts the reading frame from serine 1449.
Molecular consequence: frameshift variant. On other transcripts: non-coding transcript variant (5).
Genome position (GRCh38, 1-based): chr16:2,084,567, T duplicated. VCF-style (leftmost placement, unchanged base first): chr16-2084566-C-CT. GRCh37 (hg19) VCF-style: chr16-2134567-C-CT.
Other names: c.2542dup, p.Ser848fs (NM_001406698.1); c.4216dup, p.Ser1406fs (NM_021055.3, NM_001370405.1); c.4144dup, p.Ser1382fs (NM_001077183.3); c.4276dup, p.Ser1426fs (NM_001114382.3); c.4036dup, p.Ser1346fs (NM_001318827.2); c.4000dup, p.Ser1334fs (NM_001318829.2); c.3613dup, p.Ser1205fs (NM_001318831.2); c.4177dup, p.Ser1393fs (NM_001318832.2); and 26 more; short protein forms S1229fs, S1249fs, S1376fs, S1377fs, S1382fs, S1393fs, S1405fs, S1412fs.
Identifiers: ClinVar variation 4727144 (VCV004727144.1).